The following is an entry in ClinVar:

ClinVar aggregate classification (germline): Uncertain significance (1 of 4 stars; one submission).

Conditions:
Hereditary pancreatitis (PCTT). Also called: PRSS1-Related Hereditary Pancreatitis; Hereditary chronic pancreatitis. Identifiers: Orphanet 676, MedGen C0238339, MONDO:0008185, OMIM 167800.

Submission:

Ambry Genetics
Classification: Uncertain significance for Hereditary pancreatitis. Last evaluated: 2025-01-06. Review status: criteria provided, single submitter. Criteria: Ambry Variant Classification Scheme 2023. Collection method: clinical testing. Allele origin: germline.
Comment: The p.G219V variant (also known as c.656G>T), located in coding exon 5 of the PRSS1 gene, results from a G to T substitution at nucleotide position 656. The glycine at codon 219 is replaced by valine, an amino acid with dissimilar properties. This amino acid position is conserved. In addition, this alteration is predicted to be deleterious by in silico analysis. Based on the available evidence, the clinical significance of this variant remains unclear.

NM_002769.5(PRSS1):c.656G>T (p.Gly219Val)

Genes: TRB (T cell receptor beta locus; plus strand), PRSS1 (serine protease 1; plus strand). Cytogenetic location: 7q34.
Variant type: single nucleotide variant.
Coding change: c.656G>T on transcript NM_002769.5 (MANE Select); coding-DNA position 656, G replaced by T.
Protein change: p.Gly219Val; replaces glycine 219 with valine.
Molecular consequence: missense variant. On other transcripts: non-coding transcript variant (5).
Genome position (GRCh38, 1-based): chr7:142,752,932, G>T. VCF-style: chr7-142752932-G-T. GRCh37 (hg19) VCF-style: chr7-142460783-G-T.
Other names: short protein forms G219V.
Identifiers: ClinVar variation 3783980 (VCV003783980.1).